The following is an entry in ClinVar:

NM_000426.4(LAMA2):c.7187G>A (p.Gly2396Glu)

Gene: LAMA2 (laminin subunit alpha 2; plus strand). Cytogenetic location: 6q22.33.
Variant type: single nucleotide variant.
Coding change: c.7187G>A on transcript NM_000426.4 (MANE Select); coding-DNA position 7187, G replaced by A.
Protein change: p.Gly2396Glu; replaces glycine 2396 with glutamic acid.
Molecular consequence: missense variant.
Genome position (GRCh38, 1-based): chr6:129,465,176, G>A. VCF-style: chr6-129465176-G-A. GRCh37 (hg19) VCF-style: chr6-129786321-G-A.
Other names: c.7187G>A, p.Gly2396Glu (NM_001079823.2); c.7187G>A (NM_000426.3); short protein forms G2396E.
Identifiers: ClinVar variation 1046442 (VCV001046442.5), dbSNP rs763250991, ClinGen allele CA3994479.

ClinVar aggregate classification (germline): Uncertain significance. Review status: criteria provided, multiple submitters, no conflicts (2 of 4 stars). 2 submissions from 2 submitters: Uncertain significance (2). Last evaluated 2022-08-21.

Conditions:
LAMA2-related muscular dystrophy (LAMA2-RD). Also called: Laminin alpha 2-related dystrophy. Identifiers: MedGen C5679788, MONDO:0100228.

Allele frequency attached by ClinVar (database versions not stated): gnomAD 0.00001; ExAC 0.00002; gnomAD exomes 0.00002 and 0.00004; TOPMed 0.00002.
gnomAD v4.1: 25 of 1,610,902 alleles (0.0016%); highest among the groups gnomAD compares: Admixed American, 0.025%; no homozygotes.

Submissions (2):

Labcorp Genetics (formerly Invitae), Labcorp
Classification: Uncertain significance for LAMA2-related muscular dystrophy. Last evaluated: 2022-08-21. Review status: criteria provided, single submitter. Criteria: Invitae Variant Classification Sherloc (09022015). Collection method: clinical testing. Allele origin: germline.
Comment: This sequence change replaces glycine, which is neutral and non-polar, with glutamic acid, which is acidic and polar, at codon 2396 of the LAMA2 protein (p.Gly2396Glu). This variant is present in population databases (rs763250991, gnomAD 0.03%). This variant has not been reported in the literature in individuals affected with LAMA2-related conditions. ClinVar contains an entry for this variant (Variation ID: 1046442). Advanced modeling of protein sequence and biophysical properties (such as structural, functional, and spatial information, amino acid conservation, physicochemical variation, residue mobility, and thermodynamic stability) performed at Invitae indicates that this missense variant is expected to disrupt LAMA2 protein function. In summary, the available evidence is currently insufficient to determine the role of this variant in disease. Therefore, it has been classified as a Variant of Uncertain Significance.

Revvity Omics, Revvity
Classification: Uncertain significance. Last evaluated: 2019-07-16. Review status: criteria provided, single submitter. Criteria: ACMG Guidelines, 2015. Collection method: clinical testing. Allele origin: germline.